The following is an entry in ClinVar:

ClinVar aggregate classification (germline): Likely benign. Review status: criteria provided, multiple submitters, no conflicts (2 of 4 stars). 3 submissions from 3 submitters: Likely benign (2). 1 of the submissions does not count toward it. Last evaluated 2026-01-06.

Conditions:
CDAN1-related disorder. Also called: CDAN1-related condition.

Allele frequency attached by ClinVar (database versions not stated): ESP Exome Variant Server 0.00008; 1000 Genomes Project 30x 0.00016; ExAC 0.00017; 1000 Genomes Project 0.00020.
gnomAD v4.1: 180 of 1,614,106 alleles (0.011%); highest among the groups gnomAD compares: South Asian, 0.04%; no homozygotes.

Submissions (3):

Labcorp Genetics (formerly Invitae), Labcorp
Classification: Likely benign. Last evaluated: 2026-01-06. Review status: criteria provided, single submitter. Criteria: Invitae Variant Classification Sherloc (09022015). Collection method: clinical testing. Allele origin: germline.

Blueprint Genetics
Classification: Likely benign. Last evaluated: 2024-08-22. Review status: criteria provided, single submitter. Criteria: ACMG Guidelines, 2015. Collection method: clinical testing. Allele origin: germline.

PreventionGenetics, part of Exact Sciences
Classification: Likely benign for CDAN1-related condition. Last evaluated: 2024-03-25. Review status: no assertion criteria provided. Collection method: clinical testing. Allele origin: germline. Not counted in ClinVar's aggregate classification.
Comment: This variant is classified as likely benign based on ACMG/AMP sequence variant interpretation guidelines (Richards et al. 2015 PMID: 25741868, with internal and published modifications).

NM_138477.4(CDAN1):c.2407+10G>A

Gene: CDAN1 (codanin 1; minus strand). Cytogenetic location: 15q15.2.
Variant type: single nucleotide variant.
Coding change: c.2407+10G>A on transcript NM_138477.4 (MANE Select); 10 bases into the intron after coding-DNA position 2407, G replaced by A.
Molecular consequence: intron variant.
Genome position (GRCh38, 1-based): chr15:42,729,558, C>T on the plus strand (G>A on the coding strand, the complement: CDAN1 is on the minus strand). VCF-style: chr15-42729558-C-T. GRCh37 (hg19) VCF-style: chr15-43021756-C-T.
Other names: c.2407+10G>A (NM_138477.2).
Identifiers: ClinVar variation 2085635 (VCV002085635.6), dbSNP rs370144474, ClinGen allele CA7515676.